The following is an entry in ClinVar:

NM_001999.4(FBN2):c.4098A>C (p.Thr1366=)

Gene: FBN2 (fibrillin 2; minus strand). Cytogenetic location: 5q23.3.
Variant type: single nucleotide variant.
Coding change: c.4098A>C on transcript NM_001999.4 (MANE Select); coding-DNA position 4098, A replaced by C.
Protein change: p.Thr1366=; no amino-acid change (threonine 1366 retained).
Molecular consequence: synonymous variant.
Genome position (GRCh38, 1-based): chr5:128,334,720, T>G on the plus strand (A>C on the coding strand, the complement: FBN2 is on the minus strand). VCF-style: chr5-128334720-T-G. GRCh37 (hg19) VCF-style: chr5-127670412-T-G.
Other names: p.T1366T:ACA>ACC; p.Thr1366=.
Identifiers: ClinVar variation 129041 (VCV000129041.42), dbSNP rs28763943, ClinGen allele CA288822.

ClinVar aggregate classification (germline): Benign. Review status: criteria provided, multiple submitters, no conflicts (2 of 4 stars). 13 submissions from 12 submitters: Benign (10). 3 of the submissions do not count toward it. Last evaluated 2026-02-02.

Conditions:
Connective tissue disorder. Also called: Connective tissue disease. Identifiers: MedGen C0009782, MONDO:0003900.
Ehlers-Danlos syndrome (EDS). Identifiers: Orphanet 98249, MedGen C0013720, MONDO:0020066.
Familial thoracic aortic aneurysm and aortic dissection (TAAD). Also called: Thoracic aortic aneurysms and dissections. Identifiers: Orphanet 91387, MedGen C4707243, MONDO:0019625.
Congenital contractural arachnodactyly (CCA). Also called: BEALS SYNDROME; Beals-Hecht syndrome; Arthrogryposis, distal, type 9. Identifiers: Orphanet 115, MedGen C0220668, MONDO:0007363, OMIM 121050.

Allele frequency attached by ClinVar (database versions not stated): gnomAD exomes 0.00537 and 0.00203; TOPMed 0.02483; ESP Exome Variant Server 0.02568; 1000 Genomes Project 0.01957; gnomAD 0.02427 and 0.02228; 1000 Genomes Project 30x 0.02061; ExAC 0.00664.
gnomAD v4.1: 6,413 of 1,614,122 alleles (0.4%); highest among the groups gnomAD compares: African/African-American, 7.7%; 247 homozygotes.

Submissions (16):

Labcorp Genetics (formerly Invitae), Labcorp
Classification: Benign for Congenital contractural arachnodactyly. Last evaluated: 2026-02-02. Review status: criteria provided, single submitter. Criteria: Invitae Variant Classification Sherloc (09022015). Collection method: clinical testing. Allele origin: germline.

ARUP Laboratories, Molecular Genetics and Genomics, ARUP Laboratories
Classification: Benign. Last evaluated: 2025-07-14. Review status: criteria provided, single submitter. Criteria: ARUP Molecular Germline Variant Investigation Process 2024. Collection method: clinical testing. Allele origin: germline.

Women's Health and Genetics/Laboratory Corporation of America, LabCorp
Classification: Benign. Last evaluated: 2023-07-21. Review status: criteria provided, single submitter. Criteria: LabCorp Variant Classification Summary - May 2015. Collection method: clinical testing. Allele origin: germline.

Genome Diagnostics Laboratory, The Hospital for Sick Children
Classification: Benign for Ehlers-Danlos syndrome. Last evaluated: 2022-01-29. Review status: criteria provided, single submitter. Criteria: ACMG Guidelines, 2015. Collection method: clinical testing. Allele origin: germline.

Genome Diagnostics Laboratory, The Hospital for Sick Children
Classification: Benign for Connective tissue disorder. Last evaluated: 2021-06-18. Review status: criteria provided, single submitter. Criteria: ACMG Guidelines, 2015. Collection method: clinical testing. Allele origin: germline.

Illumina Laboratory Services, Illumina
Classification: Benign for Congenital contractural arachnodactyly. Last evaluated: 2018-01-12. Review status: criteria provided, single submitter. Criteria: ICSL Variant Classification Criteria 13 December 2019. Collection method: clinical testing. Allele origin: germline.
Comment: This variant was observed in the ICSL laboratory as part of a predisposition screen in an ostensibly healthy population. It had not been previously curated by ICSL or reported in the Human Gene Mutation Database (HGMD: prior to June 1st, 2018), and was therefore a candidate for classification through an automated scoring system. Utilizing variant allele frequency, disease prevalence and penetrance estimates, and inheritance mode, an automated score was calculated to assess if this variant is too frequent to cause the disease. Based on the score and internal cut-off values, a variant classified as benign is not then subjected to further curation. The score for this variant resulted in a classification of benign for this disease.

Mayo Clinic Laboratories, Mayo Clinic
Classification: Benign. Last evaluated: 2017-05-18. Review status: criteria provided, single submitter. Criteria: ACMG Guidelines, 2015. Collection method: clinical testing. Allele origin: germline. Observed: 9 variant alleles.

Ambry Genetics
Classification: Benign for Familial thoracic aortic aneurysm and aortic dissection. Last evaluated: 2015-07-07. Review status: criteria provided, single submitter. Criteria: Ambry Variant Classification Scheme 2023. Collection method: clinical testing. Allele origin: germline.

GeneDx
Classification: Benign. Last evaluated: 2013-08-20. Review status: criteria provided, single submitter. Criteria: GeneDx Variant Classification (06012015). Collection method: clinical testing. Allele origin: germline. Affected: yes.
Comment: This variant is considered likely benign or benign based on one or more of the following criteria: it is a conservative change, it occurs at a poorly conserved position in the protein, it is predicted to be benign by multiple in silico algorithms, and/or has population frequency not consistent with disease.

PreventionGenetics, part of Exact Sciences
Classification: Benign. Review status: criteria provided, single submitter. Criteria: ACMG Guidelines, 2015. Collection method: clinical testing. Allele origin: germline.

Dr. Peter K. Rogan Lab, Western University
No classification provided (evidence only). Condition: Acute myeloid leukemia. Review status: no classification provided. Collection method: in vitro. Allele origin: not applicable. Functional consequence: retained intron. Not counted in ClinVar's aggregate classification.

Dr. Peter K. Rogan Lab, Western University
No classification provided (evidence only). Condition: Sarcoma. Review status: no classification provided. Collection method: in vitro. Allele origin: not applicable. Functional consequence: retained intron. Not counted in ClinVar's aggregate classification.

Dr. Peter K. Rogan Lab, Western University
No classification provided (evidence only). Condition: Sarcoma. Review status: no classification provided. Collection method: in vitro. Allele origin: not applicable. Functional consequence: retained intron. Not counted in ClinVar's aggregate classification.

Genetic Services Laboratory, University of Chicago
Classification: Likely benign for AllHighlyPenetrant. Review status: no assertion criteria provided. Collection method: clinical testing. Allele origin: germline. Inheritance: Autosomal dominant inheritance. Not counted in ClinVar's aggregate classification.
Comment: Likely benign based on allele frequency in 1000 Genomes Project or ESP global frequency and its presence in a patient with a rare or unrelated disease phenotype. NOT Sanger confirmed.

Genome Diagnostics Laboratory, Amsterdam University Medical Center
Classification: Benign. Review status: no assertion criteria provided. Collection method: clinical testing. Allele origin: germline. Affected: yes. Study: VKGL Data-share Consensus. Not counted in ClinVar's aggregate classification.

Laboratory of Diagnostic Genome Analysis, Leiden University Medical Center (LUMC)
Classification: Likely benign. Review status: no assertion criteria provided. Collection method: clinical testing. Allele origin: germline. Affected: yes. Study: VKGL Data-share Consensus. Not counted in ClinVar's aggregate classification.